The following is an entry in ClinVar:

NM_001122955.4(BSCL2):c.1038G>T (p.Lys346Asn)

Genes: BSCL2 (BSCL2 lipid droplet biogenesis associated, seipin; minus strand), HNRNPUL2-BSCL2 (HNRNPUL2-BSCL2 readthrough (NMD candidate); minus strand). Cytogenetic location: 11q12.3.
Variant type: single nucleotide variant.
Coding change: c.1038G>T on transcript NM_001122955.4 (MANE Select); coding-DNA position 1038, G replaced by T.
Protein change: p.Lys346Asn; replaces lysine 346 with asparagine.
Molecular consequence: missense variant. On other transcripts: non-coding transcript variant (1).
Genome position (GRCh38, 1-based): chr11:62,691,109, C>A on the plus strand (G>T on the coding strand, the complement: BSCL2 is on the minus strand). VCF-style: chr11-62691109-C-A. GRCh37 (hg19) VCF-style: chr11-62458581-C-A.
Other names: c.704G>T, p.Arg235Met (NM_001130702.2); c.1038G>T, p.Lys346Asn (NM_001386027.1, NM_001386028.1); c.846G>T, p.Lys282Asn (NM_032667.6); short protein forms K282N, K346N, R235M.
Identifiers: ClinVar variation 570465 (VCV000570465.8), dbSNP rs1565143263, ClinGen allele CA380958157.
Genomic context (GRCh38, chr11:62,691,109, plus strand): 5'-AACAGCTCCCCAGCCAACACCTTTACCTGGCTGATGAGCAGAGATCCTTCGTTGGACTTC[C>A]TTCCGGGAATTGTCTCTTTTTCGGATGTTAACCTGTGGAGGAAAAACTACTGAGCAGCCA-3'
Protein context (NP_001116427.1, residues 336-356): VNIRKRDNSR[Lys346Asn]EVQRRISAHQ

ClinVar aggregate classification (germline): Uncertain significance (1 of 4 stars; one submission).

Conditions:
Charcot-Marie-Tooth disease type 2. Also called: Charcot-Marie-Tooth type 2. Identifiers: Orphanet 64746, MedGen C0270914, MONDO:0018993.

Allele frequency attached by ClinVar (database versions not stated): gnomAD exomes below 0.00001.
gnomAD v4.1: 1 of 1,614,234 alleles (0.000062%); highest among the groups gnomAD compares: Non-Finnish European, 0.000085%; no homozygotes.

Submission:

Labcorp Genetics (formerly Invitae), Labcorp
Classification: Uncertain significance for Charcot-Marie-Tooth disease type 2. Last evaluated: 2018-05-24. Review status: criteria provided, single submitter. Criteria: Invitae Variant Classification Sherloc (09022015). Collection method: clinical testing. Allele origin: germline.
Comment: This variant is not present in population databases (ExAC no frequency). This sequence change replaces lysine with asparagine at codon 282 of the BSCL2 protein (p.Lys282Asn). The lysine residue is weakly conserved and there is a moderate physicochemical difference between lysine and asparagine. This variant has not been reported in the literature in individuals with BSCL2-related disease. In summary, the available evidence is currently insufficient to determine the role of this variant in disease. Therefore, it has been classified as a Variant of Uncertain Significance. Algorithms developed to predict the effect of missense changes on protein structure and function (SIFT, PolyPhen-2, Align-GVGD) all suggest that this variant is likely to be tolerated, but these predictions have not been confirmed by published functional studies and their clinical significance is uncertain.